The following is an entry in ClinVar:

ClinVar aggregate classification (germline): Uncertain significance (1 of 4 stars; one submission).

Conditions:
Hereditary sensory and autonomic neuropathy type 7. Also called: Neuropathy, hereditary sensory and autonomic, type VII; HSAN VII. Identifiers: Orphanet 391397, MedGen C3809882, MONDO:0014244, OMIM 615548.
Familial episodic pain syndrome with predominantly lower limb involvement. Also called: Episodic pain syndrome, familial, 3. Identifiers: Orphanet 391384, Orphanet 391392, MedGen C3809899, MONDO:0014247, OMIM 615552.

Submission:

Juno Genomics, Hangzhou Juno Genomics, Inc
Classification: Uncertain significance for Familial episodic pain syndrome with predominantly lower limb involvement; Hereditary sensory and autonomic neuropathy type 7. Review status: criteria provided, single submitter. Criteria: ACMG Guidelines, 2015. Collection method: clinical testing. Allele origin: germline.
Comment: Absent from controls (or at extremely low frequency if recessive) in Genome Aggregation Database.;Multiple lines of computational evidence support a deleterious effect on the gene or gene product.

NM_001349253.2(SCN11A):c.2299G>C (p.Gly767Arg)

Gene: SCN11A (sodium voltage-gated channel alpha subunit 11; minus strand). Cytogenetic location: 3p22.2.
Variant type: single nucleotide variant.
Coding change: c.2299G>C on transcript NM_001349253.2 (MANE Select); coding-DNA position 2299, G replaced by C.
Protein change: p.Gly767Arg; replaces glycine 767 with arginine.
Molecular consequence: missense variant.
Genome position (GRCh38, 1-based): chr3:38,896,949, C>G on the plus strand (G>C on the coding strand, the complement: SCN11A is on the minus strand). VCF-style: chr3-38896949-C-G. GRCh37 (hg19) VCF-style: chr3-38938440-C-G.
Other names: c.2299G>C, p.Gly767Arg (NM_014139.3); short protein forms G767R.
Identifiers: ClinVar variation 5019391 (VCV005019391.2).